The following is an entry in ClinVar:

NM_001355436.2(SPTB):c.4373dup (p.Arg1459fs)

Gene: SPTB (spectrin beta, erythrocytic; minus strand). Cytogenetic location: 14q23.3.
Variant type: Duplication.
Coding change: c.4373dup on transcript NM_001355436.2 (MANE Select); coding-DNA position 4373, one base duplicated (A; older notation c.4373dupA).
Protein change: p.Arg1459fs; shifts the reading frame from arginine 1459.
Molecular consequence: frameshift variant.
Genome position (GRCh38, 1-based): chr14:64,779,825, T duplicated on the plus strand (A on the coding strand, the reverse complement: SPTB is on the minus strand); the first of 2 consecutive T bases (chr14:64,779,825-64,779,826); duplicating either gives the same sequence. VCF-style (leftmost placement, unchanged base first): chr14-64779824-C-CT. GRCh37 (hg19) VCF-style: chr14-65246542-C-CT.
Other names: c.4373dup, p.Arg1459fs (NM_001024858.4, NM_001355437.2); short protein forms R1459fs.
Identifiers: ClinVar variation 1705961 (VCV001705961.4), dbSNP rs2503091112, ClinGen allele CA2580088502.
Genomic context (GRCh38, chr14:64,779,824, plus strand): 5'-TCTGGATGATTCCAGCTGCTTCTTCCTCCTTCCTAGGGGTTCCAGGAGGTCCAGGAACCG[C>CT]TTCTCGATGCTCAAGTCTGCATCTCCTCCCTCCTCTCCCATTGAAGGCACCTGGGCAAAC-3'

ClinVar aggregate classification (germline): Likely pathogenic (1 of 4 stars; one submission).

Submission:

Mayo Clinic Laboratories, Mayo Clinic
Classification: Likely pathogenic. Last evaluated: 2022-01-17. Review status: criteria provided, single submitter. Criteria: ACMG Guidelines, 2015. Collection method: clinical testing. Allele origin: germline.
Comment: PM2, PVS1

Literature cited by the submitters: PubMed 30192042.